The following is an entry in ClinVar:

ClinVar aggregate classification (germline): Likely pathogenic (1 of 4 stars; one submission).

Conditions:
Deficiency of alpha-mannosidase (MANSA). Also called: Mannosidosis, alpha-, types I and II; LYSOSOMAL ALPHA-D-MANNOSIDASE DEFICIENCY; Alpha-Mannosidosis. Identifiers: Orphanet 61, MedGen C0024748, MONDO:0009561, OMIM 248500.

Submission:

Myriad Genetics, Inc.
Classification: Likely pathogenic for Deficiency of alpha-mannosidase. Last evaluated: 2022-04-14. Review status: criteria provided, single submitter. Criteria: Myriad Women's Health Autosomal Recessive and X-Linked Classification Criteria (2021). Collection method: clinical testing. Allele origin: unknown.
Comment: NM_000528.3(MAN2B1):c.872_875dupAGCT(V293Afs*32) is expected to be pathogenic in the context of alpha-mannosidosis. This variant is predicted to lead to an abnormal or absent protein product due to the creation of a premature termination codon in MAN2B1, a gene where loss-of-function variants are known to be pathogenic. Please note: this variant was assessed in the context of healthy population screening.

NM_000528.4(MAN2B1):c.872_875dup (p.Val293fs)

Gene: MAN2B1 (mannosidase alpha class 2B member 1; minus strand). Cytogenetic location: 19p13.13.
Variant type: Duplication.
Coding change: c.872_875dup on transcript NM_000528.4 (MANE Select); coding-DNA positions 872 to 875, 4 bases duplicated (AGCT; older notation c.872_875dupAGCT).
Protein change: p.Val293fs; shifts the reading frame from valine 293.
Molecular consequence: frameshift variant.
Genome position (GRCh38, 1-based): chr19:12,663,351-12,663,354, AGCT duplicated on the plus strand (AGCT on the coding strand, the reverse complement: MAN2B1 is on the minus strand). VCF-style (leftmost placement, unchanged base first): chr19-12663350-C-CAGCT. GRCh37 (hg19) VCF-style: chr19-12774164-C-CAGCT.
Other names: c.872_875dup, p.Val293fs (NM_001173498.2); short protein forms V293fs.
Identifiers: ClinVar variation 1725922 (VCV001725922.2), dbSNP rs2512511233, ClinGen allele CA2580096553.